The following is an entry in ClinVar:

ClinVar aggregate classification (germline): Uncertain significance (1 of 4 stars; one submission).

Conditions:
Congenital myasthenic syndrome 9. Also called: Myasthenic syndrome, congenital, 9, associated with acetylcholine receptor deficiency. Identifiers: Orphanet 590, MedGen C4225368, MONDO:0014587, OMIM 616325.
Fetal akinesia deformation sequence 1 (FADS1). Also called: Fetal akinesia sequence; Pena-Shokeir syndrome type I. Identifiers: Orphanet 994, MedGen C1276035, MONDO:0100101, OMIM 208150, HP:0001989.

Allele frequency attached by ClinVar (database versions not stated): gnomAD exomes 0.00001 and 0.00002; ExAC 0.00002.
gnomAD v4.1: 15 of 1,613,958 alleles (0.00093%); highest among the groups gnomAD compares: South Asian, 0.015%; no homozygotes.

Submission:

Labcorp Genetics (formerly Invitae), Labcorp
Classification: Uncertain significance for Congenital myasthenic syndrome 9; Fetal akinesia deformation sequence 1. Last evaluated: 2021-08-26. Review status: criteria provided, single submitter. Criteria: Invitae Variant Classification Sherloc (09022015). Collection method: clinical testing. Allele origin: germline.
Comment: This sequence change replaces tyrosine with cysteine at codon 600 of the MUSK protein (p.Tyr600Cys). The tyrosine residue is highly conserved and there is a large physicochemical difference between tyrosine and cysteine. This variant is present in population databases (rs760793449, ExAC 0.01%). This variant has not been reported in the literature in individuals affected with MUSK-related conditions. Algorithms developed to predict the effect of missense changes on protein structure and function (SIFT, PolyPhen-2, Align-GVGD) all suggest that this variant is likely to be tolerated. In summary, the available evidence is currently insufficient to determine the role of this variant in disease. Therefore, it has been classified as a Variant of Uncertain Significance.

NM_005592.4(MUSK):c.1799A>G (p.Tyr600Cys)

Gene: MUSK (muscle associated receptor tyrosine kinase; plus strand). Cytogenetic location: 9q31.3.
Variant type: single nucleotide variant.
Coding change: c.1799A>G on transcript NM_005592.4 (MANE Select); coding-DNA position 1799, A replaced by G.
Protein change: p.Tyr600Cys; replaces tyrosine 600 with cysteine.
Molecular consequence: missense variant.
Genome position (GRCh38, 1-based): chr9:110,787,710, A>G. VCF-style: chr9-110787710-A-G. GRCh37 (hg19) VCF-style: chr9-113549990-A-G.
Other names: c.1541A>G, p.Tyr514Cys (NM_001166280.2); c.1511A>G, p.Tyr504Cys (NM_001166281.2); c.539A>G, p.Tyr180Cys (NM_001369398.1); short protein forms Y600C, Y514C, Y180C, Y504C.
Identifiers: ClinVar variation 959582 (VCV000959582.7), dbSNP rs760793449, ClinGen allele CA5184476.